The following is an entry in ClinVar:

NM_000368.5(TSC1):c.1142-3A>C

Gene: TSC1 (TSC complex subunit 1; minus strand). Cytogenetic location: 9q34.13.
Variant type: single nucleotide variant.
Coding change: c.1142-3A>C on transcript NM_000368.5 (MANE Select); 3 bases into the intron before coding-DNA position 1142, A replaced by C.
Molecular consequence: intron variant.
Genome position (GRCh38, 1-based): chr9:132,910,695, T>G on the plus strand (A>C on the coding strand, the complement: TSC1 is on the minus strand). VCF-style: chr9-132910695-T-G. GRCh37 (hg19) VCF-style: chr9-135786082-T-G.
Other names: c.989-6A>C (NM_001406612.1, NM_001406613.1, NM_001406611.1); c.989-3A>C (NM_001406610.1, NM_001162427.2); c.779-6A>C (NM_001406620.1, NM_001406621.1, NM_001406625.1 and 2 more transcripts); c.191-6A>C (NM_001406627.1, NM_001406628.1); c.779-3A>C (NM_001406618.1, NM_001406617.1, NM_001406619.1 and 5 more transcripts); c.92-6A>C (NM_001406629.1, NM_001406630.1); c.1142-6A>C (NM_001406603.1, NM_001406609.1, NM_001406597.1 and 6 more transcripts); c.1142-3A>C (NM_001406602.1, NM_001406606.1, NM_001406592.1 and 7 more transcripts); and 1 more.
Identifiers: ClinVar variation 4071349 (VCV004071349.1).

ClinVar aggregate classification (germline): Likely benign (1 of 4 stars; one submission).

Conditions:
Tuberous sclerosis 1 (TSC1). Identifiers: Orphanet 805, MedGen C1854465, MONDO:0008612, OMIM 191100.

Submission:

Myriad Genetics, Inc.
Classification: Likely benign for Tuberous sclerosis 1. Last evaluated: 2025-04-09. Review status: criteria provided, single submitter. Criteria: Myriad Autosomal Dominant, Autosomal Recessive and X-Linked Classification Criteria (2023). Collection method: clinical testing. Allele origin: unknown.
Comment: This variant is considered likely benign. This variant is intronic and is not expected to impact mRNA splicing.